The following is an entry in ClinVar:

NM_152564.5(VPS13B):c.4949+2T>C

Gene: VPS13B (vacuolar protein sorting 13 homolog B; plus strand). Cytogenetic location: 8q22.2.
Variant type: single nucleotide variant.
Coding change: c.4949+2T>C on transcript NM_152564.5 (MANE Select); the canonical splice donor site of the intron after coding-DNA position 4949, T replaced by C.
Molecular consequence: splice donor variant.
Genome position (GRCh38, 1-based): chr8:99,556,655, T>C. VCF-style: chr8-99556655-T-C. GRCh37 (hg19) VCF-style: chr8-100568883-T-C.
Other names: c.5024+2T>C (NM_017890.5).
Identifiers: ClinVar variation 576076 (VCV000576076.11), dbSNP rs761273297, ClinGen allele CA4823681.

ClinVar aggregate classification (germline): Likely pathogenic. Review status: criteria provided, multiple submitters, no conflicts (2 of 4 stars). 4 submissions from 4 submitters: Likely pathogenic (3). 1 of the submissions does not count toward it. Last evaluated 2024-10-08.

Conditions:
VPS13B-related disorder. Also called: VPS13B-related condition.
Cohen syndrome (COH1). Also called: Cutis verticis gyrata, retinitis pigmentosa, and sensorineural deafness; PEPPER SYNDROME. Identifiers: Orphanet 193, MedGen C0265223, MONDO:0008999, OMIM 216550.

Allele frequency attached by ClinVar (database versions not stated): TOPMed below 0.00001; gnomAD exomes 0.00001; ExAC 0.00002.
gnomAD v4.1: 7 of 1,612,444 alleles (0.00043%); highest among the groups gnomAD compares: Non-Finnish European, 0.00034%; no homozygotes.

Submissions (4):

Natera, Inc.
Classification: Likely pathogenic for Cohen syndrome. Last evaluated: 2024-10-08. Review status: criteria provided, single submitter. Criteria: Natera Variant Classification Schema (03/2026). Collection method: clinical testing. Allele origin: germline.
Comment: The c.5024+2T>C variant in VPS13B is a canonical splice donor site variant predicted to affect pre-mRNA splicing, which may result in an abnormal transcript and altered protein product. This variant may result in a truncated or dysfunctional protein product. This variant is rare in the general population with a frequency below the threshold expected for the associated phenotype(s). This variant has been observed in one or more individuals affected with the associated recessive disease, as either homozygous or compound heterozygous with a second variant (PMID: 34425733). Functional studies show that this variant may disrupt protein function (PMID: 34425733). Given the available evidence, this variant is classified as Likely Pathogenic.

Labcorp Genetics (formerly Invitae), Labcorp
Classification: Likely pathogenic for Cohen syndrome. Last evaluated: 2024-01-25. Review status: criteria provided, single submitter. Criteria: Invitae Variant Classification Sherloc (09022015). Collection method: clinical testing. Allele origin: germline.
Comment: This sequence change affects a donor splice site in intron 31 of the VPS13B gene. It is expected to disrupt RNA splicing. Variants that disrupt the donor or acceptor splice site typically lead to a loss of protein function (PMID: 16199547), and loss-of-function variants in VPS13B are known to be pathogenic (PMID: 15141358, 16648375, 20461111). This variant is present in population databases (rs761273297, gnomAD 0.002%). Disruption of this splice site has been observed in individual(s) with Cohen syndrome (PMID: 34425733). ClinVar contains an entry for this variant (Variation ID: 576076). Algorithms developed to predict the effect of sequence changes on RNA splicing suggest that this variant may disrupt the consensus splice site. In summary, the currently available evidence indicates that the variant is pathogenic, but additional data are needed to prove that conclusively. Therefore, this variant has been classified as Likely Pathogenic.

Blueprint Genetics
Classification: Likely pathogenic for VPS13B-related disorders. Last evaluated: 2017-07-03. Review status: criteria provided, single submitter. Criteria: ACMG Guidelines, 2015. Collection method: clinical testing. Allele origin: germline. Affected: yes. Observed: 1 variant allele.

Genomics England Pilot Project, Genomics England
Classification: Likely pathogenic for Cohen syndrome. Review status: no assertion criteria provided. Criteria: ACGS Guidelines, 2016. Collection method: clinical testing. Allele origin: germline. Affected: yes. Not counted in ClinVar's aggregate classification.

Literature cited by the submitters: PubMed 34425733 (cited by Natera, Inc. and Labcorp Genetics (formerly Invitae), Labcorp); PubMed 16199547 (cited by Labcorp Genetics (formerly Invitae), Labcorp); PubMed 15141358 (cited by Labcorp Genetics (formerly Invitae), Labcorp); PubMed 16648375 (cited by Labcorp Genetics (formerly Invitae), Labcorp); PubMed 20461111 (cited by Labcorp Genetics (formerly Invitae), Labcorp).